The following is an entry in ClinVar:

NM_004714.3(DYRK1B):c.1783C>G (p.Arg595Gly)

Gene: DYRK1B (dual specificity tyrosine phosphorylation regulated kinase 1B; minus strand). Cytogenetic location: 19q13.2.
Variant type: single nucleotide variant.
Coding change: c.1783C>G on transcript NM_004714.3 (MANE Select); coding-DNA position 1783, C replaced by G.
Protein change: p.Arg595Gly; replaces arginine 595 with glycine.
Molecular consequence: missense variant.
Genome position (GRCh38, 1-based): chr19:39,825,822, G>C on the plus strand (C>G on the coding strand, the complement: DYRK1B is on the minus strand). VCF-style: chr19-39825822-G-C. GRCh37 (hg19) VCF-style: chr19-40316462-G-C.
Other names: c.1663C>G, p.Arg555Gly (NM_006483.3); c.1699C>G, p.Arg567Gly (NM_006484.3); short protein forms R555G, R567G, R595G.
Identifiers: ClinVar variation 4987918 (VCV004987918.1).

ClinVar aggregate classification (germline): Uncertain significance (1 of 4 stars; one submission).

Conditions:
DYRK1B-related disorder. Also called: DYRK1B-related condition.

gnomAD v4.1: 2 of 1,608,316 alleles (0.00012%); highest among the groups gnomAD compares: African/African-American, 0.0013%; no homozygotes.

Submission:

PreventionGenetics, part of Exact Sciences
Classification: Uncertain significance for DYRK1B-related condition. Last evaluated: 2025-11-26. Review status: criteria provided, single submitter. Criteria: ACMG Guidelines, 2015. Collection method: clinical testing. Allele origin: germline.
Comment: The DYRK1B c.1783C>G variant is predicted to result in the amino acid substitution p.Arg595Gly. To our knowledge, this variant has not been reported in the literature or in a large population database (gnomAD), indicating this variant is rare. At this time, the clinical significance of this variant is uncertain due to the absence of conclusive functional and genetic evidence.